The following is an entry in ClinVar:

ClinVar aggregate classification (germline): Uncertain significance (1 of 4 stars; one submission).

Conditions:
Hereditary cancer-predisposing syndrome. Also called: Tumor predisposition; Hereditary Cancer Syndrome; Neoplastic Syndromes, Hereditary; Hereditary neoplastic syndrome. Identifiers: Orphanet 140162, MedGen C0027672, MeSH D009386, MONDO:0015356.

Submission:

Color Diagnostics, LLC DBA Color Health
Classification: Uncertain significance for Hereditary cancer-predisposing syndrome. Last evaluated: 2025-05-05. Review status: criteria provided, single submitter. Criteria: ACMG Guidelines, 2015. Collection method: clinical testing. Allele origin: germline.
Comment: This missense variant replaces serine with threonine at codon 2283 of the APC protein. Computational prediction suggests that this variant may not impact protein structure and function. To our knowledge, functional studies have not been reported for this variant. This variant has not been reported in individuals affected with APC-related disorders in the literature. This variant has not been identified in the general population by the Genome Aggregation Database (gnomAD). The available evidence is insufficient to determine the role of this variant in disease conclusively. Therefore, this variant is classified as a Variant of Uncertain Significance.

NM_000038.6(APC):c.6848G>C (p.Ser2283Thr)

Gene: APC (APC regulator of Wnt signaling pathway; plus strand). Cytogenetic location: 5q22.2.
Variant type: single nucleotide variant.
Coding change: c.6848G>C on transcript NM_000038.6 (MANE Select); coding-DNA position 6848, G replaced by C.
Protein change: p.Ser2283Thr; replaces serine 2283 with threonine.
Molecular consequence: missense variant. On other transcripts: non-coding transcript variant (2).
Genome position (GRCh38, 1-based): chr5:112,842,442, G>C. VCF-style: chr5-112842442-G-C. GRCh37 (hg19) VCF-style: chr5-112178139-G-C.
Other names: c.6848G>C, p.Ser2283Thr (NM_001127510.3, NM_001354895.2, NM_001407450.1); c.6794G>C, p.Ser2265Thr (NM_001127511.3); c.6902G>C, p.Ser2301Thr (NM_001354896.2, NM_001407447.1, NM_001407448.1 and 1 more transcripts); c.6878G>C, p.Ser2293Thr (NM_001354897.2); c.6773G>C, p.Ser2258Thr (NM_001354898.2); c.6764G>C, p.Ser2255Thr (NM_001354899.2); c.6725G>C, p.Ser2242Thr (NM_001354900.2); c.6671G>C, p.Ser2224Thr (NM_001354901.2, NM_001407453.1); and 11 more; short protein forms S1899T, S2000T, S2123T, S2154T, S2157T, S2182T, S2192T, S2200T.
Identifiers: ClinVar variation 4756709 (VCV004756709.1).